The following is an entry in ClinVar:

NM_006231.4(POLE):c.4785G>C (p.Arg1595Ser)

Gene: POLE (DNA polymerase epsilon, catalytic subunit; minus strand). Cytogenetic location: 12q24.33.
Variant type: single nucleotide variant.
Coding change: c.4785G>C on transcript NM_006231.4 (MANE Select); coding-DNA position 4785, G replaced by C.
Protein change: p.Arg1595Ser; replaces arginine 1595 with serine.
Molecular consequence: missense variant.
Genome position (GRCh38, 1-based): chr12:132,642,673, C>G on the plus strand (G>C on the coding strand, the complement: POLE is on the minus strand). VCF-style: chr12-132642673-C-G. GRCh37 (hg19) VCF-style: chr12-133219259-C-G.
Other names: short protein forms R1595S.
Identifiers: ClinVar variation 646899 (VCV000646899.8), dbSNP rs1259912985, ClinGen allele CA387378397.
Genomic context (GRCh38, chr12:132,642,673, plus strand): 5'-GTCAGCCACACAGATAGGCACCAGTGGGAATTCCTCCAAGACAGGAATTTCACTGGCCAG[C>G]CTCTTCAGCTCCCAGCTGGACTGAACAGCGATGAGTGTGGGCCCCCGGCGCTCCTCCTGG-3'
Protein context (NP_006222.2, residues 1585-1605): IAVQSSWELK[Arg1595Ser]LASEIPVLEE

ClinVar aggregate classification (germline): Uncertain significance (1 of 4 stars; one submission).

gnomAD v4.1: 3 of 1,613,796 alleles (0.00019%); highest among the groups gnomAD compares: Non-Finnish European, 0.00025%; no homozygotes.

Submission:

Labcorp Genetics (formerly Invitae), Labcorp
Classification: Uncertain significance. Last evaluated: 2018-12-25. Review status: criteria provided, single submitter. Criteria: Invitae Variant Classification Sherloc (09022015). Collection method: clinical testing. Allele origin: germline.
Comment: This sequence change replaces arginine with serine at codon 1595 of the POLE protein (p.Arg1595Ser). The arginine residue is highly conserved and there is a moderate physicochemical difference between arginine and serine. This variant is not present in population databases (ExAC no frequency). This variant has not been reported in the literature in individuals with POLE-related conditions. Algorithms developed to predict the effect of missense changes on protein structure and function are either unavailable or do not agree on the potential impact of this missense change (SIFT: "Deleterious"; PolyPhen-2: "Benign"; Align-GVGD: "Class C35"). In summary, the available evidence is currently insufficient to determine the role of this variant in disease. Therefore, it has been classified as a Variant of Uncertain Significance.